The following is an entry in ClinVar:

NM_015474.4(SAMHD1):c.55C>T (p.Pro19Ser)

Gene: SAMHD1 (SAM and HD domain containing deoxynucleoside triphosphate triphosphohydrolase 1; minus strand). Cytogenetic location: 20q11.23.
Variant type: single nucleotide variant.
Coding change: c.55C>T on transcript NM_015474.4 (MANE Select); coding-DNA position 55, C replaced by T.
Protein change: p.Pro19Ser; replaces proline 19 with serine.
Molecular consequence: missense variant.
Genome position (GRCh38, 1-based): chr20:36,951,589, G>A on the plus strand (C>T on the coding strand, the complement: SAMHD1 is on the minus strand). VCF-style: chr20-36951589-G-A. GRCh37 (hg19) VCF-style: chr20-35579992-G-A.
Other names: c.55C>T, p.Pro19Ser (NM_001363729.2, NM_001363733.2); short protein forms P19S.
Identifiers: ClinVar variation 1490130 (VCV001490130.3), dbSNP rs2146160927, ClinGen allele CA408833628.

ClinVar aggregate classification (germline): Uncertain significance (1 of 4 stars; one submission).

Conditions:
Aicardi-Goutieres syndrome 5. Identifiers: Orphanet 51, MedGen C2749659, MONDO:0013059, OMIM 612952.

Submission:

Labcorp Genetics (formerly Invitae), Labcorp
Classification: Uncertain significance for Aicardi-Goutieres syndrome 5. Last evaluated: 2021-11-04. Review status: criteria provided, single submitter. Criteria: Invitae Variant Classification Sherloc (09022015). Collection method: clinical testing. Allele origin: germline.
Comment: This sequence change replaces proline, which is neutral and non-polar, with serine, which is neutral and polar, at codon 19 of the SAMHD1 protein (p.Pro19Ser). This variant is not present in population databases (gnomAD no frequency). This variant has not been reported in the literature in individuals affected with SAMHD1-related conditions. Algorithms developed to predict the effect of missense changes on protein structure and function (SIFT, PolyPhen-2, Align-GVGD) all suggest that this variant is likely to be tolerated. In summary, the available evidence is currently insufficient to determine the role of this variant in disease. Therefore, it has been classified as a Variant of Uncertain Significance.